The following is an entry in ClinVar:

NC_000009.11:g.(?_117050715)_(117072975_?)dup

Gene: COL27A1 (collagen type XXVII alpha 1 chain; plus strand). Cytogenetic location: 9q32.
Variant type: Duplication.
Identifiers: ClinVar variation 2427082 (VCV002427082.3).

ClinVar aggregate classification (germline): Uncertain significance (1 of 4 stars; one submission).

Submission:

Labcorp Genetics (formerly Invitae), Labcorp
Classification: Uncertain significance. Last evaluated: 2021-10-04. Review status: criteria provided, single submitter. Criteria: Invitae Variant Classification Sherloc (09022015). Collection method: clinical testing. Allele origin: germline.
Comment: This variant results in a copy number gain of the genomic region encompassing exon(s) 42-61 of the COL27A1 gene. This region includes the termination codon of the gene. This copy number gain extends beyond the assayed region for this gene and therefore may encompass additional genes. As the precise location of this event is unknown, it may be in tandem or it may be located elsewhere in the genome. This variant has not been reported in the literature in individuals affected with COL27A1-related conditions. In summary, the available evidence is currently insufficient to determine the role of this variant in disease. Therefore, it has been classified as a Variant of Uncertain Significance.